The following is an entry in ClinVar:

ClinVar aggregate classification (germline): Pathogenic. Review status: reviewed by expert panel (3 of 4 stars). 21 submissions from 21 submitters: Pathogenic (1). 20 of the submissions do not count toward it. Last evaluated 2024-01-24.

Conditions:
ATM-related disorder. Also called: ATM-related disorders; ATM-related condition.
ATM-related cancer predisposition. Also called: ATM-related cancer susceptibility. Identifiers: MedGen CN377759, MONDO:0700270.
Familial cancer of breast. Also called: Hereditary breast cancer; hereditary breast carcinoma; BREAST CANCER, FAMILIAL. Identifiers: Orphanet 227535, MedGen C0346153, MONDO:0016419, OMIM 114480. Disease mechanism: loss of function.
Ataxia-telangiectasia syndrome (AT). Also called: ATAXIA-TELANGIECTASIA, COMPLEMENTATION GROUP A; ATAXIA-TELANGIECTASIA, FRESNO VARIANT; Ataxia-telangiectasia; Ataxia-telangiectasia, complementation group D; AT, COMPLEMENTATION GROUP C; Ataxia-telangiectasia, complementation group E. Identifiers: Orphanet 100, MedGen C0004135, MONDO:0008840, OMIM 208900.
Hereditary cancer-predisposing syndrome. Also called: Tumor predisposition; Hereditary neoplastic syndrome; Hereditary Cancer Syndrome; Neoplastic Syndromes, Hereditary. Identifiers: Orphanet 140162, MedGen C0027672, MeSH D009386, MONDO:0015356.
Incidental Discovery. Identifiers: MedGen C1135954.

Submissions 1 to 11 of 21:

ClinGen Hereditary Breast, Ovarian and Pancreatic Cancer Variant Curation Expert Panel, ClinGen
Classification: Pathogenic for ATM-related cancer predisposition. Last evaluated: 2024-01-24. Review status: reviewed by expert panel. Criteria: ClinGen HBOP ACMG Specifications ATM V1.2.0. Collection method: curation. Allele origin: germline. Inheritance: Autosomal dominant inheritance.
Comment: The c.790delT (p.Y264Ifs*12) variant in ATM is a frameshift variant predicted to cause a premature stop codon in a biologically-relevant-exon leading to nonsense mediated decay in a gene in which loss-of-function is an established disease mechanism. This alteration results in a termination codon upstream of the most C-terminal pathogenic alteration (ATM p.Arg3047*), as classified by the HBOP VCEP, and is expected to be more deleterious. This variant has a minor allele frequency in gnomAD v2.1.1 of 0.00001763 (2/113450 alleles) in European (non-Finnish) population (PM2_Supporting, BS1, and BA1 are not met). This variant has been detected in at least 4 individuals with Ataxia-Telangiectasia (PMID: 12815592, 9887333, 26896183, 22213089). In summary, this variant meets the criteria to be classified as a pathogenic variant for autosomal dominant hereditary breast cancer and autosomal recessive Ataxia-Telangiectasia based on the ACMG/AMP criteria applied as specified by the HBOP VCEP. (PVS1, PM3_strong, PM5_supporting)

Institute of Human Genetics, University of Leipzig Medical Center
Classification: Pathogenic for Familial cancer of breast. Last evaluated: 2026-05-04. Review status: criteria provided, single submitter. Criteria: ACMG Guidelines, 2015. Collection method: clinical testing. Allele origin: unknown. Affected: yes. Not counted in ClinVar's aggregate classification.
Comment: Criteria applied: PVS1,PM3_STR,PM5_SUP

Labcorp Genetics (formerly Invitae), Labcorp
Classification: Pathogenic for Ataxia-telangiectasia syndrome. Last evaluated: 2026-01-19. Review status: criteria provided, single submitter. Criteria: Invitae Variant Classification Sherloc (09022015). Collection method: clinical testing. Allele origin: germline. Not counted in ClinVar's aggregate classification.
Comment: This sequence change creates a premature translational stop signal (p.Tyr264Ilefs*12) in the ATM gene. It is expected to result in an absent or disrupted protein product. Loss-of-function variants in ATM are known to be pathogenic (PMID: 23807571, 25614872). This variant is present in population databases (rs774609577, gnomAD 0.002%). This premature translational stop signal has been observed in individual(s) with ataxia-telangiectasia (PMID: 9887333, 12673797, 12815592, 15928302, 16832357, 22213089, 24549055). ClinVar contains an entry for this variant (Variation ID: 141742). For these reasons, this variant has been classified as Pathogenic.

PreventionGenetics, part of Exact Sciences
Classification: Pathogenic for ATM-related condition. Last evaluated: 2025-12-31. Review status: criteria provided, single submitter. Criteria: ACMG Guidelines, 2015. Collection method: clinical testing. Allele origin: germline. Not counted in ClinVar's aggregate classification.
Comment: The ATM c.790delT variant is predicted to result in a frameshift and premature protein termination (p.Tyr264Ilefs*12). This variant was reported in individuals with ataxia telangiectasia (Mitui et al. 2003. PubMed ID: 12815592; Sandoval et al. 1999. PubMed ID: 9887333; Bernstein et al. 2003. PubMed ID: 12673797; Jackson et al. 2016. PubMed ID: 26896183; and Verhagen et al. 2012. PubMed ID: 22213089). This variant is reported in 0.0018% of alleles in individuals of European (Non-Finnish) descent in gnomAD and is classified as pathogenic in ClinVar (Variation ID: 141742). This variant is expected to result in a premature termination codon and a loss of ATM protein. Loss-of-function variants in ATM are expected to be pathogenic. This variant is interpreted as pathogenic.

Clinical Genetics Laboratory, Skane University Hospital Lund
Classification: Pathogenic for Incidental Discovery. Last evaluated: 2025-10-10. Review status: criteria provided, single submitter. Criteria: ACMG Guidelines, 2015. Collection method: clinical testing. Allele origin: germline. Affected: yes. Not counted in ClinVar's aggregate classification.

Color Diagnostics, LLC DBA Color Health
Classification: Pathogenic for Hereditary cancer-predisposing syndrome. Last evaluated: 2025-06-09. Review status: criteria provided, single submitter. Criteria: ACMG Guidelines, 2015. Collection method: clinical testing. Allele origin: germline. Not counted in ClinVar's aggregate classification.
Comment: This variant deletes 1 nucleotide in exon 7 of the ATM gene, creating a frameshift and premature translation stop signal. This variant is expected to result in an absent or non-functional protein product. To our knowledge, functional studies have not been reported for this variant. This variant has been reported in individuals affected with ataxia-telangiectasia (PMID: 9887333, 10817650, 12552559, 12815592, 15928302, 16411093, 21665257, 22213089, 25122203). This variant has also been reported in individuals affected with breast, ovarian, colorectal and prostate cancer (PMID: 16832357, 19781682, 20346647, 24549055, 27433846, 27616075, 28135145, 28779002). This variant has been identified in 2/251032 chromosomes in the general population by the Genome Aggregation Database (gnomAD). Loss of ATM function is a known mechanism of disease. Based on the available evidence, this variant is classified as Pathogenic.

Department of Pathology and Laboratory Medicine, Sinai Health System
Classification: Pathogenic for Familial cancer of breast; Ataxia-telangiectasia syndrome. Last evaluated: 2024-12-06. Review status: criteria provided, single submitter. Criteria: ACMG Guidelines, 2015. Collection method: clinical testing. Allele origin: germline. Not counted in ClinVar's aggregate classification.

Ambry Genetics
Classification: Pathogenic for Hereditary cancer-predisposing syndrome. Last evaluated: 2024-12-04. Review status: criteria provided, single submitter. Criteria: Ambry Variant Classification Scheme 2023. Collection method: clinical testing. Allele origin: germline. Not counted in ClinVar's aggregate classification.
Comment: The c.790delT pathogenic mutation, located in coding exon 6 of the ATM gene, results from a deletion of one nucleotide at nucleotide position 790, causing a translational frameshift with a predicted alternate stop codon (p.Y264Ifs*12). This alteration has been reported in conjunction with a second pathogenic mutation in multiple individuals diagnosed with ataxia-telangiectasia (A-T) (Sandoval N et al. Hum Mol. Genet. 1999 Jan;8(1):69-79; Mitui M et al. Hum. Mutat. 2003 Jul;22(1):43-50; Buzin C et al. Hum. Mutat. 2003 Feb;21(2):123-31; Heinrich T et al. Eur. J. Pediatr. 2006 Apr;165(4):250-7; Verhagen MM et al. Hum. Mutat. 2012 Mar;33(3):561-71). This alteration has also been identified in individuals diagnosed with prostate cancer, breast cancer and colorectal cancer (Pritchard CC et al. N. Engl. J. Med., 2016 Aug;375:443-53; Decker B et al. J. Med. Genet., 2017 Nov;54:732-741; Kraus C et al. Int. J. Cancer, 2017 Jan;140:95-102; Yurgelun MB et al. J. Clin. Oncol., 2017 Apr;35:1086-1095). This variant is considered to be rare based on population cohorts in the Genome Aggregation Database (gnomAD). In addition to the clinical data presented in the literature, this alteration is expected to result in loss of function by premature protein truncation or nonsense-mediated mRNA decay. As such, this alteration is interpreted as a disease-causing mutation.

Baylor Genetics
Classification: Pathogenic for Familial cancer of breast. Last evaluated: 2024-03-09. Review status: criteria provided, single submitter. Criteria: ACMG Guidelines, 2015. Collection method: clinical testing. Allele origin: unknown. Not counted in ClinVar's aggregate classification.

Myriad Genetics, Inc.
Classification: Pathogenic for Familial cancer of breast. Last evaluated: 2024-01-11. Review status: criteria provided, single submitter. Criteria: Myriad Autosomal Dominant, Autosomal Recessive and X-Linked Classification Criteria (2023). Collection method: clinical testing. Allele origin: unknown. Not counted in ClinVar's aggregate classification.
Comment: This variant is considered pathogenic. This variant creates a frameshift predicted to result in premature protein truncation.

Institute for Biomarker Research, Medical Diagnostic Laboratories, L.L.C.
Classification: Pathogenic for Hereditary cancer-predisposing syndrome. Last evaluated: 2023-12-05. Review status: criteria provided, single submitter. Criteria: ACMG Guidelines, 2015. Collection method: clinical testing. Allele origin: germline. Not counted in ClinVar's aggregate classification.

NM_000051.4(ATM):c.790del (p.Tyr264fs)

Gene: ATM (ATM serine/threonine kinase; plus strand). Cytogenetic location: 11q22.3.
Variant type: Deletion.
Coding change: c.790del on transcript NM_000051.4 (MANE Select); coding-DNA position 790, one base deleted (T; older notation c.790delT).
Protein change: p.Tyr264fs; shifts the reading frame from tyrosine 264.
Molecular consequence: frameshift variant.
Genome position (GRCh38, 1-based): chr11:108,244,915, T deleted; the last of 3 consecutive T bases (chr11:108,244,913-108,244,915); deleting any one gives the same sequence. VCF-style (leftmost placement, unchanged base first): chr11-108244912-CT-C. GRCh37 (hg19) VCF-style: chr11-108115639-CT-C.
Other names: NM_000051.4(ATM):c.790del; p.Tyr264fs; c.788delT (NM_000051.3); c.790delT (NM_000051.3, NM_000051.4); c.790del, p.Tyr264fs (NM_001351834.2); short protein forms Y264fs.
Identifiers: ClinVar variation 141742 (VCV000141742.96), dbSNP rs587781978, ClinGen allele CA166283.
Genomic context (GRCh38, chr11:108,244,912, plus strand): 5'-TTGGCTGTCAACTTTCGAATTCGAGTGTGTGAATTAGGAGATGAAATTCTTCCCACTTTG[CT>C]TTATATTTGGACTCAACATAGGCTTAATGATTCTTTAAAAGAAGTCATTATTGAATTATT-3'